The following is an entry in ClinVar:

ClinVar aggregate classification (germline): Uncertain significance. Review status: criteria provided, multiple submitters, no conflicts (2 of 4 stars). 3 submissions from 3 submitters: Uncertain significance (3). Last evaluated 2025-06-22.

Conditions:
Hajdu-Cheney syndrome (HJCYS). Also called: Acroosteolysis dominant type; ACROOSTEOLYSIS WITH OSTEOPOROSIS AND CHANGES IN SKULL AND MANDIBLE; SERPENTINE FIBULA-POLYCYSTIC KIDNEY SYNDROME. Identifiers: Orphanet 955, MedGen C0917715, MONDO:0007057, OMIM 102500.
Alagille syndrome due to a NOTCH2 point mutation. Also called: Alagille syndrome 2. Identifiers: Orphanet 261629, Orphanet 52, MedGen C1857761, MONDO:0012439, OMIM 610205.

Allele frequency attached by ClinVar (database versions not stated): gnomAD exomes 0.00001; ExAC 0.00002; TOPMed 0.00002; gnomAD 0.00003.
gnomAD v4.1: 14 of 1,613,994 alleles (0.00087%); highest among the groups gnomAD compares: Admixed American, 0.0033%; no homozygotes.

Submissions (3):

Labcorp Genetics (formerly Invitae), Labcorp
Classification: Uncertain significance for Hajdu-Cheney syndrome. Last evaluated: 2025-06-22. Review status: criteria provided, single submitter. Criteria: Invitae Variant Classification Sherloc (09022015). Collection method: clinical testing. Allele origin: germline.
Comment: This sequence change replaces methionine, which is neutral and non-polar, with valine, which is neutral and non-polar, at codon 2183 of the NOTCH2 protein (p.Met2183Val). This variant is present in population databases (rs748538625, gnomAD 0.007%). This variant has not been reported in the literature in individuals affected with NOTCH2-related conditions. ClinVar contains an entry for this variant (Variation ID: 595364). Invitae Evidence Modeling of protein sequence and biophysical properties (such as structural, functional, and spatial information, amino acid conservation, physicochemical variation, residue mobility, and thermodynamic stability) indicates that this missense variant is not expected to disrupt NOTCH2 protein function with a negative predictive value of 80%. In summary, the available evidence is currently insufficient to determine the role of this variant in disease. Therefore, it has been classified as a Variant of Uncertain Significance.

Fulgent Genetics
Classification: Uncertain significance for Hajdu-Cheney syndrome; Alagille syndrome due to a NOTCH2 point mutation. Last evaluated: 2022-01-06. Review status: criteria provided, single submitter. Criteria: ACMG Guidelines, 2015. Collection method: clinical testing. Allele origin: unknown.

Eurofins Ntd Llc (ga)
Classification: Uncertain significance. Last evaluated: 2017-12-12. Review status: criteria provided, single submitter. Criteria: EGL Classification Definitions 2015. Collection method: clinical testing. Allele origin: germline. Observed: 1 variant allele, 1 heterozygote.

NM_024408.4(NOTCH2):c.6547A>G (p.Met2183Val)

Gene: NOTCH2 (notch receptor 2; minus strand). Cytogenetic location: 1p12.
Variant type: single nucleotide variant.
Coding change: c.6547A>G on transcript NM_024408.4 (MANE Select); coding-DNA position 6547, A replaced by G.
Protein change: p.Met2183Val; replaces methionine 2183 with valine.
Molecular consequence: missense variant.
Genome position (GRCh38, 1-based): chr1:119,916,175, T>C on the plus strand (A>G on the coding strand, the complement: NOTCH2 is on the minus strand). VCF-style: chr1-119916175-T-C. GRCh37 (hg19) VCF-style: chr1-120458798-T-C.
Other names: short protein forms M2183V.
Identifiers: ClinVar variation 595364 (VCV000595364.14), dbSNP rs748538625, ClinGen allele CA1039409.
Genomic context (GRCh38, chr1:119,916,175, plus strand): 5'-TAGAAAAAGATAGTGCATGCTGGGCATGGACTGGGGCAGGAGGGGCGGCAGTGGCCAACA[T>C]AGGGTTGGGTGAGGCCTGTAAGATCCCAGGGGATGTAATCATTGGAGAGGATGTGGTGTC-3'
Protein context (NP_077719.2, residues 2173-2193): PGILQASPNP[Met2183Val]LATAAPPAPV